The following is an entry in ClinVar:

ClinVar aggregate classification (germline): Likely pathogenic (1 of 4 stars; one submission).

Conditions:
Cardiovascular phenotype. Identifiers: MedGen CN230736.

Submission:

Ambry Genetics
Classification: Likely pathogenic for Cardiovascular phenotype. Last evaluated: 2026-01-13. Review status: criteria provided, single submitter. Criteria: Ambry Variant Classification Scheme 2023. Collection method: clinical testing. Allele origin: germline.
Comment: The c.626delC variant, located in coding exon 2 of the NKX2-5 gene, results from a deletion of one nucleotide at nucleotide position 626, causing a translational frameshift with a predicted alternate stop codon (p.P209Rfs*23). This alteration occurs at the 3' terminus of the gene, is not expected to trigger nonsense-mediated mRNA decay, and impacts the last 35% of the protein. However, premature stop codons are typically deleterious in nature and a significant portion of the protein is affected (Ambry internal data). This variant was reported in individual(s) with features consistent with NKX2-5 related congenital heart disease (Ambry internal data). This variant is considered to be rare based on population cohorts in the Genome Aggregation Database (gnomAD). Based on the majority of available evidence to date, this variant is likely to be pathogenic.

NM_004387.4(NKX2-5):c.626del (p.Pro209fs)

Gene: NKX2-5 (NK2 homeobox 5; minus strand). Cytogenetic location: 5q35.1.
Variant type: Deletion.
Coding change: c.626del on transcript NM_004387.4 (MANE Select); coding-DNA position 626, one base deleted (C; older notation c.626delC).
Protein change: p.Pro209fs; shifts the reading frame from proline 209.
Molecular consequence: frameshift variant. On other transcripts: 3 prime UTR variant (2).
Genome position (GRCh38, 1-based): chr5:173,232,918, G deleted on the plus strand (C on the coding strand, the reverse complement: NKX2-5 is on the minus strand); the first of 5 consecutive G bases (chr5:173,232,918-173,232,922); deleting any one gives the same sequence. VCF-style (leftmost placement, unchanged base first): chr5-173232917-CG-C. GRCh37 (hg19) VCF-style: chr5-172659920-CG-C.
Other names: c.*579del (NM_001166175.2); c.*425del (NM_001166176.2); short protein forms P209fs.
Identifiers: ClinVar variation 4843218 (VCV004843218.1).
Genomic context (GRCh38, chr5:173,232,917, plus strand): 5'-TGGCTTGCCATCGCGCACCAGCACTGGCACCGCGATCCTGCGGGCAGGCGGCGGCGGCGG[CG>C]GGGGCAGCCCCACCAGCTCCAGAGTCTGGTCCTGCCGCTGCCGCTTGCACTTGTAGCGCC-3'